The following is an entry in ClinVar:

ClinVar aggregate classification (germline): Likely benign (0 of 4 stars; one submission).

Conditions:
MYO7B-related disorder. Also called: MYO7B-related condition.

Allele frequency attached by ClinVar (database versions not stated): ExAC 0.00003; gnomAD exomes 0.00004; ESP Exome Variant Server 0.00008.
gnomAD v4.1: 63 of 1,612,558 alleles (0.0039%); highest among the groups gnomAD compares: Non-Finnish European, 0.0049%; no homozygotes.

Submission:

PreventionGenetics, part of Exact Sciences
Classification: Likely benign for MYO7B-related condition. Last evaluated: 2019-07-29. Review status: no assertion criteria provided. Collection method: clinical testing. Allele origin: germline.
Comment: This variant is classified as likely benign based on ACMG/AMP sequence variant interpretation guidelines (Richards et al. 2015 PMID: 25741868, with internal and published modifications).

NM_001393586.1(MYO7B):c.5727G>A (p.Thr1909=)

Gene: MYO7B (myosin VIIB; plus strand). Cytogenetic location: 2q14.3.
Variant type: single nucleotide variant.
Coding change: c.5727G>A on transcript NM_001393586.1 (MANE Select); coding-DNA position 5727, G replaced by A.
Protein change: p.Thr1909=; no amino-acid change (threonine 1909 retained).
Molecular consequence: synonymous variant.
Genome position (GRCh38, 1-based): chr2:127,635,133, G>A. VCF-style: chr2-127635133-G-A. GRCh37 (hg19) VCF-style: chr2-128392708-G-A.
Other names: c.5649G>A, p.Thr1883= (NM_001080527.2); c.2208G>A, p.Thr736= (NM_001393594.1).
Identifiers: ClinVar variation 3035507 (VCV003035507.2), dbSNP rs377168438, ClinGen allele CA1862403.
Genomic context (GRCh38, chr2:127,635,133, plus strand): 5'-TGTACCTGCTGGGACAGGCTTGGTGCCCACTGCTGGCCCTCGCCCAGGGGCCCCCGTGAC[G>A]CTCCCCTACCAGGTGTACTTCATGCGGAAATTGTGGCTCAACATATCTCCAGGGAAGGAT-3'
Protein context (NP_001380515.1, residues 1899-1919): NKPQKEGAPV[Thr1909=]LPYQVYFMRK